The following is an entry in ClinVar:

NM_017617.5(NOTCH1):c.4481T>G (p.Leu1494Arg)

Gene: NOTCH1 (notch receptor 1; minus strand). Cytogenetic location: 9q34.3.
Variant type: single nucleotide variant.
Coding change: c.4481T>G on transcript NM_017617.5 (MANE Select); coding-DNA position 4481, T replaced by G.
Protein change: p.Leu1494Arg; replaces leucine 1494 with arginine.
Molecular consequence: missense variant.
Genome position (GRCh38, 1-based): chr9:136,505,415, A>C on the plus strand (T>G on the coding strand, the complement: NOTCH1 is on the minus strand). VCF-style: chr9-136505415-A-C. GRCh37 (hg19) VCF-style: chr9-139399867-A-C.
Other names: short protein forms L1494R.
Identifiers: ClinVar variation 1956535 (VCV001956535.6), dbSNP rs2133338958, ClinGen allele CA375647219.
Genomic context (GRCh38, chr9:136,505,415, plus strand): 5'-CAGCCGGCTGAGTTGCACTGGCTGTCACAGTGGCCGTCACTGAAGTACTTCCAGCACTGC[A>C]GAGACTGCGTGCAGTTCTTCCAGGGGTCATTGAAGTTGAGGGAGCAGTCACCGCCGTCCC-3'
Protein context (NP_060087.3, residues 1484-1504): NDPWKNCTQS[Leu1494Arg]QCWKYFSDGH

ClinVar aggregate classification (germline): Uncertain significance. Review status: criteria provided, multiple submitters, no conflicts (2 of 4 stars). 2 submissions from 2 submitters: Uncertain significance (2). Last evaluated 2024-09-13.

Conditions:
Adams-Oliver syndrome 5 (AOS5). Identifiers: Orphanet 974, MedGen C4014970, MONDO:0014459, OMIM 616028.

Allele frequency attached by ClinVar (database versions not stated): gnomAD exomes below 0.00001.
gnomAD v4.1: 1 of 1,612,814 alleles (0.000062%); highest among the groups gnomAD compares: Non-Finnish European, 0.000085%; no homozygotes.

Submissions (2):

Blueprint Genetics
Classification: Uncertain significance. Last evaluated: 2024-09-13. Review status: criteria provided, single submitter. Criteria: ACMG Guidelines, 2015. Collection method: clinical testing. Allele origin: germline.

Labcorp Genetics (formerly Invitae), Labcorp
Classification: Uncertain significance for Adams-Oliver syndrome 5. Last evaluated: 2022-08-05. Review status: criteria provided, single submitter. Criteria: Invitae Variant Classification Sherloc (09022015). Collection method: clinical testing. Allele origin: germline.
Comment: In summary, the available evidence is currently insufficient to determine the role of this variant in disease. Therefore, it has been classified as a Variant of Uncertain Significance. Advanced modeling of protein sequence and biophysical properties (such as structural, functional, and spatial information, amino acid conservation, physicochemical variation, residue mobility, and thermodynamic stability) performed at Invitae indicates that this missense variant is not expected to disrupt NOTCH1 protein function. This variant has not been reported in the literature in individuals affected with NOTCH1-related conditions. This variant is not present in population databases (gnomAD no frequency). This sequence change replaces leucine, which is neutral and non-polar, with arginine, which is basic and polar, at codon 1494 of the NOTCH1 protein (p.Leu1494Arg).